The following is an entry in ClinVar:

NM_006158.5(NEFL):c.572G>A (p.Arg191Gln)

Gene: NEFL (neurofilament light chain; minus strand). Cytogenetic location: 8p21.2.
Variant type: single nucleotide variant.
Coding change: c.572G>A on transcript NM_006158.5 (MANE Select); coding-DNA position 572, G replaced by A.
Protein change: p.Arg191Gln; replaces arginine 191 with glutamine.
Molecular consequence: missense variant.
Genome position (GRCh38, 1-based): chr8:24,955,944, C>T on the plus strand (G>A on the coding strand, the complement: NEFL is on the minus strand). VCF-style: chr8-24955944-C-T. GRCh37 (hg19) VCF-style: chr8-24813458-C-T.
Other names: short protein forms R191Q.
Identifiers: ClinVar variation 447761 (VCV000447761.6), dbSNP rs755170407, ClinGen allele CA4681476.

ClinVar aggregate classification (germline): Uncertain significance. Review status: criteria provided, multiple submitters, no conflicts (2 of 4 stars). 2 submissions from 2 submitters: Uncertain significance (2). Last evaluated 2023-05-04.

Conditions:
Charcot-Marie-Tooth disease type 2E (CMT2E). Also called: CHARCOT-MARIE-TOOTH DISEASE, AXONAL, TYPE 2E; CHARCOT-MARIE-TOOTH NEUROPATHY, TYPE 2E. Identifiers: Orphanet 99939, MedGen C1843225, MONDO:0011894, OMIM 607684.

Allele frequency attached by ClinVar (database versions not stated): gnomAD exomes below 0.00001 and 0.00001; ExAC 0.00001.
gnomAD v4.1: 3 of 1,602,988 alleles (0.00019%); highest among the groups gnomAD compares: Non-Finnish European, 0.00025%; no homozygotes.

Submissions (2):

Labcorp Genetics (formerly Invitae), Labcorp
Classification: Uncertain significance for Charcot-Marie-Tooth disease type 2E. Last evaluated: 2023-05-04. Review status: criteria provided, single submitter. Criteria: Invitae Variant Classification Sherloc (09022015). Collection method: clinical testing. Allele origin: germline.
Comment: Advanced modeling of protein sequence and biophysical properties (such as structural, functional, and spatial information, amino acid conservation, physicochemical variation, residue mobility, and thermodynamic stability) performed at Invitae indicates that this missense variant is not expected to disrupt NEFL protein function. ClinVar contains an entry for this variant (Variation ID: 447761). This variant has not been reported in the literature in individuals affected with NEFL-related conditions. This variant is present in population databases (rs755170407, gnomAD 0.007%). This sequence change replaces arginine, which is basic and polar, with glutamine, which is neutral and polar, at codon 191 of the NEFL protein (p.Arg191Gln). In summary, the available evidence is currently insufficient to determine the role of this variant in disease. Therefore, it has been classified as a Variant of Uncertain Significance.

Athena Diagnostics
Classification: Uncertain significance. Last evaluated: 2017-04-25. Review status: criteria provided, single submitter. Criteria: Athena Diagnostics Criteria. Collection method: clinical testing. Allele origin: germline.